The following is an entry in ClinVar:

ClinVar aggregate classification (germline): Uncertain significance. Review status: criteria provided, multiple submitters, no conflicts (2 of 4 stars). 5 submissions from 5 submitters: Uncertain significance (5). Last evaluated 2026-09-01.

Conditions:
Inborn genetic diseases. Identifiers: MedGen C0950123, MeSH D030342.
Nephrotic syndrome 14. Also called: RENI SYNDROME; RENAL, ENDOCRINE, NEUROLOGIC, AND IMMUNE SYNDROME; Sphingosine Phosphate Lyase Insufficiency Syndrome. Identifiers: Orphanet 506334, MedGen C4540559, MONDO:0033203, OMIM 617575.

Allele frequency attached by ClinVar (database versions not stated): ESP Exome Variant Server 0.00031; gnomAD 0.00035 and 0.00036; 1000 Genomes Project 30x 0.00016; 1000 Genomes Project 0.00020; ExAC 0.00021; TOPMed 0.00021; gnomAD exomes 0.00024 and 0.00030.
gnomAD v4.1: 479 of 1,613,352 alleles (0.03%); highest among the groups gnomAD compares: Non-Finnish European, 0.035%; no homozygotes.

Submissions (5):

CeGaT Center for Human Genetics Tuebingen
Classification: Uncertain significance. Last evaluated: 2026-09-01. Review status: criteria provided, single submitter. Criteria: CeGaT Center For Human Genetics Tuebingen Variant Classification Criteria Version 2. Collection method: clinical testing. Allele origin: germline. Affected: yes. Observed: 1 variant allele.
Comment: SGPL1: PM2

Labcorp Genetics (formerly Invitae), Labcorp
Classification: Uncertain significance. Last evaluated: 2026-01-14. Review status: criteria provided, single submitter. Criteria: Invitae Variant Classification Sherloc (09022015). Collection method: clinical testing. Allele origin: germline.
Comment: This sequence change replaces tyrosine, which is neutral and polar, with cysteine, which is neutral and slightly polar, at codon 356 of the SGPL1 protein (p.Tyr356Cys). This variant is present in population databases (rs147860288, gnomAD 0.05%). This variant has not been reported in the literature in individuals affected with SGPL1-related conditions. ClinVar contains an entry for this variant (Variation ID: 1310455). Invitae Evidence Modeling of protein sequence and biophysical properties (such as structural, functional, and spatial information, amino acid conservation, physicochemical variation, residue mobility, and thermodynamic stability) indicates that this missense variant is not expected to disrupt SGPL1 protein function with a negative predictive value of 80%. In summary, the available evidence is currently insufficient to determine the role of this variant in disease. Therefore, it has been classified as a Variant of Uncertain Significance.

Ambry Genetics
Classification: Uncertain significance for Inborn genetic diseases. Last evaluated: 2024-08-14. Review status: criteria provided, single submitter. Criteria: Ambry Variant Classification Scheme 2023. Collection method: clinical testing. Allele origin: germline.

Baylor Genetics
Classification: Uncertain significance for Nephrotic syndrome 14. Last evaluated: 2023-02-01. Review status: criteria provided, single submitter. Criteria: ACMG Guidelines, 2015. Collection method: clinical testing. Allele origin: unknown.

GeneDx
Classification: Uncertain significance. Last evaluated: 2020-12-01. Review status: criteria provided, single submitter. Criteria: GeneDx Variant Classification Process June 2021. Collection method: clinical testing. Allele origin: germline. Affected: yes.
Comment: Identified in patients with elevated AFI-AP concentrations in published literature (Stanne et al., 2018); In silico analysis supports that this missense variant has a deleterious effect on protein structure/function; This variant is associated with the following publications: (PMID: 29378355)

Literature cited by the submitters: PubMed 29378355 (cited by Ambry Genetics).

NM_003901.4(SGPL1):c.1067A>G (p.Tyr356Cys)

Gene: SGPL1 (sphingosine-1-phosphate lyase 1; plus strand). Cytogenetic location: 10q22.1.
Variant type: single nucleotide variant.
Coding change: c.1067A>G on transcript NM_003901.4 (MANE Select); coding-DNA position 1067, A replaced by G.
Protein change: p.Tyr356Cys; replaces tyrosine 356 with cysteine.
Molecular consequence: missense variant.
Genome position (GRCh38, 1-based): chr10:70,873,358, A>G. VCF-style: chr10-70873358-A-G. GRCh37 (hg19) VCF-style: chr10-72633115-A-G.
Other names: short protein forms Y356C.
Identifiers: ClinVar variation 1310455 (VCV001310455.9), dbSNP rs147860288, ClinGen allele CA5541376.